The following is an entry in ClinVar:

ClinVar aggregate classification (germline): Likely benign (0 of 4 stars; one submission).

Conditions:
PLXNA4-related disorder. Also called: PLXNA4-related condition.

gnomAD v4.1: 1 of 1,613,414 alleles (0.000062%); highest among the groups gnomAD compares: Non-Finnish European, 0.000085%; no homozygotes.

Submission:

PreventionGenetics, part of Exact Sciences
Classification: Likely benign for PLXNA4-related condition. Last evaluated: 2021-12-14. Review status: no assertion criteria provided. Collection method: clinical testing. Allele origin: germline.
Comment: This variant is classified as likely benign based on ACMG/AMP sequence variant interpretation guidelines (Richards et al. 2015 PMID: 25741868, with internal and published modifications).

NM_020911.2(PLXNA4):c.2299-7G>A

Gene: PLXNA4 (plexin A4; minus strand). Cytogenetic location: 7q32.3.
Variant type: single nucleotide variant.
Coding change: c.2299-7G>A on transcript NM_020911.2 (MANE Select); 7 bases into the intron before coding-DNA position 2299, G replaced by A.
Molecular consequence: intron variant.
Genome position (GRCh38, 1-based): chr7:132,203,426, C>T on the plus strand (G>A on the coding strand, the complement: PLXNA4 is on the minus strand). VCF-style: chr7-132203426-C-T. GRCh37 (hg19) VCF-style: chr7-131888185-C-T.
Other names: c.2299-7G>A (NM_001393897.1).
Identifiers: ClinVar variation 3355083 (VCV003355083.1).